The following is an entry in ClinVar:

NM_001356.5(DDX3X):c.1949G>A (p.Gly650Glu)

Gene: DDX3X (DEAD-box helicase 3 X-linked; plus strand). Cytogenetic location: Xp11.4.
Variant type: single nucleotide variant.
Coding change: c.1949G>A on transcript NM_001356.5 (MANE Select); coding-DNA position 1949, G replaced by A.
Protein change: p.Gly650Glu; replaces glycine 650 with glutamic acid.
Molecular consequence: missense variant. On other transcripts: non-coding transcript variant (1).
Genome position (GRCh38, 1-based): chrX:41,347,679, G>A. VCF-style: chrX-41347679-G-A. GRCh37 (hg19) VCF-style: chrX-41206932-G-A.
Other names: c.1946G>A, p.Gly649Glu (NM_001193416.3); c.1901G>A, p.Gly634Glu (NM_001193417.3); c.1388G>A, p.Gly463Glu (NM_001363819.1); short protein forms G634E, G463E, G649E, G650E.
Identifiers: ClinVar variation 2743191 (VCV002743191.3), dbSNP rs2519529014, ClinGen allele CA412780799.

ClinVar aggregate classification (germline): Uncertain significance (1 of 4 stars; one submission).

Submission:

Labcorp Genetics (formerly Invitae), Labcorp
Classification: Uncertain significance. Last evaluated: 2023-09-08. Review status: criteria provided, single submitter. Criteria: Invitae Variant Classification Sherloc (09022015). Collection method: clinical testing. Allele origin: germline.
Comment: In summary, the available evidence is currently insufficient to determine the role of this variant in disease. Therefore, it has been classified as a Variant of Uncertain Significance. Experimental studies and prediction algorithms are not available or were not evaluated, and the functional significance of this variant is currently unknown. This variant has not been reported in the literature in individuals affected with DDX3X-related conditions. This variant is not present in population databases (gnomAD no frequency). This sequence change replaces glycine, which is neutral and non-polar, with glutamic acid, which is acidic and polar, at codon 649 of the DDX3X protein (p.Gly649Glu).